The following is an entry in ClinVar:

NM_000243.3(MEFV):c.2281C>A (p.Arg761Ser)

Gene: MEFV (MEFV innate immunity regulator, pyrin; minus strand). Cytogenetic location: 16p13.3.
Variant type: single nucleotide variant.
Coding change: c.2281C>A on transcript NM_000243.3 (MANE Select); coding-DNA position 2281, C replaced by A.
Protein change: p.Arg761Ser; replaces arginine 761 with serine.
Molecular consequence: missense variant. On other transcripts: 3 prime UTR variant (1).
Genome position (GRCh38, 1-based): chr16:3,243,206, G>T on the plus strand (C>A on the coding strand, the complement: MEFV is on the minus strand). VCF-style: chr16-3243206-G-T. GRCh37 (hg19) VCF-style: chr16-3293206-G-T.
Other names: c.*485C>A (NM_001198536.2); short protein forms R761S.
Identifiers: ClinVar variation 803176 (VCV000803176.2), dbSNP rs774807554, ClinGen allele CA394484687.

ClinVar aggregate classification (germline): Conflicting classifications of pathogenicity. Review status: criteria provided, conflicting classifications (1 of 4 stars). 2 submissions from 2 submitters: Pathogenic (1); Uncertain significance (1). Last evaluated 2025-06-11.

Conditions:
Familial Mediterranean fever (FMF). Also called: POLYSEROSITIS, FAMILIAL PAROXYSMAL; POLYSEROSITIS, RECURRENT; Periodic peritonitis; Benign paroxysmal peritonitis. Identifiers: Orphanet 342, MedGen C0031069, MONDO:0018088, OMIM 249100. Disease mechanism: gain of function.

gnomAD v4.1: 1 of 1,614,056 alleles (0.000062%); highest among the groups gnomAD compares: Non-Finnish European, 0.000085%; no homozygotes.

Submissions (2):

Women's Health and Genetics/Laboratory Corporation of America, LabCorp
Classification: Pathogenic for Familial Mediterranean fever. Last evaluated: 2025-06-11. Review status: criteria provided, single submitter. Criteria: LabCorp Variant Classification Summary - May 2015. Collection method: clinical testing. Allele origin: germline.
Comment: Variant summary: MEFV c.2281C>A (p.Arg761Ser) results in a non-conservative amino acid change in the encoded protein sequence. Algorithms developed to predict the effect of missense changes on protein structure and function are either unavailable or do not agree on the potential impact of this missense change. The variant was absent in 251440 control chromosomes (gnomAD). c.2281C>A has been observed in multiple individuals affected with Familial Mediterranean Fever, both in the heterozygous state and in the compound heterozygous state with other (likely) pathogenic variants (e.g., Ozalkaya_2011, Kisaoglu_2023). These data indicate that the variant is very likely to be associated with disease. A different variant affecting the same codon has been classified as likely pathogenic/pathogenic by our lab (c.2282G>A, p.Arg761His), supporting the critical relevance of codon 761 to MEFV protein function. The following publications have been ascertained in the context of this evaluation (PMID: 20217092, 36870084). ClinVar contains an entry for this variant (Variation ID: 803176). Based on the evidence outlined above, the variant was classified as pathogenic for Familial Mediterranean Fever and Familial Mediterranean fever, autosomal dominant.

Mendelics
Classification: Uncertain significance for Familial Mediterranean fever. Last evaluated: 2019-05-28. Review status: criteria provided, single submitter. Criteria: Mendelics Assertion Criteria 2017. Collection method: clinical testing. Allele origin: unknown.

Literature cited by the submitters: PubMed 36870084 (cited by Women's Health and Genetics/Laboratory Corporation of America, LabCorp); PubMed 20217092 (cited by Women's Health and Genetics/Laboratory Corporation of America, LabCorp).